The following is an entry in ClinVar:

ClinVar aggregate classification (germline): Likely pathogenic (1 of 4 stars; one submission).

Conditions:
Ornithine aminotransferase deficiency (GACR). Also called: OAT DEFICIENCY; OKT DEFICIENCY; HYPERORNITHINEMIA WITH GYRATE ATROPHY OF CHOROID AND RETINA; Ornithine ketoacid aminotransferase deficiency; Gyrate atrophy; Gyrate atrophy of choroid and retina. Identifiers: Orphanet 414, MedGen C0018425, MONDO:0009796, OMIM 258870.

gnomAD v4.1: 3 of 1,613,816 alleles (0.00019%); highest among the groups gnomAD compares: Non-Finnish European, 0.00025%; no homozygotes.

Submission:

Labcorp Genetics (formerly Invitae), Labcorp
Classification: Likely pathogenic for Ornithine aminotransferase deficiency. Last evaluated: 2021-11-18. Review status: criteria provided, single submitter. Criteria: Invitae Variant Classification Sherloc (09022015). Collection method: clinical testing. Allele origin: germline.
Comment: This variant has not been reported in the literature in individuals affected with OAT-related conditions. This variant is not present in population databases (gnomAD no frequency). In summary, the currently available evidence indicates that the variant is pathogenic, but additional data are needed to prove that conclusively. Therefore, this variant has been classified as Likely Pathogenic. Algorithms developed to predict the effect of sequence changes on RNA splicing suggest that this variant may disrupt the consensus splice site. This sequence change affects an acceptor splice site in intron 6 of the OAT gene. It is expected to disrupt RNA splicing. Variants that disrupt the donor or acceptor splice site typically lead to a loss of protein function (PMID: 16199547), and loss-of-function variants in OAT are known to be pathogenic (PMID: 1737786, 23076989).

Literature cited by the submitters: PubMed 16199547; PubMed 1737786; PubMed 23076989.

NM_000274.4(OAT):c.772-1G>T

Gene: OAT (ornithine aminotransferase; minus strand). Cytogenetic location: 10q26.13.
Variant type: single nucleotide variant.
Coding change: c.772-1G>T on transcript NM_000274.4 (MANE Select); the canonical splice acceptor site of the intron before coding-DNA position 772, G replaced by T.
Molecular consequence: splice acceptor variant.
Genome position (GRCh38, 1-based): chr10:124,403,056, C>A on the plus strand (G>T on the coding strand, the complement: OAT is on the minus strand). VCF-style: chr10-124403056-C-A. GRCh37 (hg19) VCF-style: chr10-126091625-C-A.
Other names: c.772-1G>T (NM_001322965.2, NM_001322969.2, NM_001322966.2 and 3 more transcripts); c.358-1G>T (NM_001171814.2); c.172-1G>T (NM_001322974.2); c.451-1G>T (NM_001322971.2).
Identifiers: ClinVar variation 1480759 (VCV001480759.6), dbSNP rs770390524, ClinGen allele CA378635679.
Genomic context (GRCh38, chr10:124,403,056, plus strand): 5'-AGCCAGCCATCTACCAGTTCTGGCCAATCCTGTCTGTATTTCATCAGCAATAAAGAGAAC[C>A]TATTGGGGAAAAAAAATACCCCTATTAGTGATCACTTTCGTTTCCACAGGGAAAATAGCC-3'